The following is an entry in ClinVar:

NM_000057.4(BLM):c.1882+4A>T

Gene: BLM (BLM RecQ like helicase; plus strand). Cytogenetic location: 15q26.1.
Variant type: single nucleotide variant.
Coding change: c.1882+4A>T on transcript NM_000057.4 (MANE Select); 4 bases into the intron after coding-DNA position 1882, A replaced by T.
Molecular consequence: intron variant.
Genome position (GRCh38, 1-based): chr15:90,761,259, A>T. VCF-style: chr15-90761259-A-T. GRCh37 (hg19) VCF-style: chr15-91304489-A-T.
Other names: c.1882+4A>T (NM_001287246.2, NM_001287247.2); c.757+4A>T (NM_001287248.2).
Identifiers: ClinVar variation 3725287 (VCV003725287.2).
Genomic context (GRCh38, chr15:90,761,259, plus strand): 5'-CAGTGTCATCTACTGCTCAAAATATAAACTTCTCAGAGTCAATTCAGAATTATACTGGTA[A>T]GTTTAAAATAAATTGAATGCTTATATGAAAACAAAACTGTCCCAAAATAGGAATTATATA-3'

ClinVar aggregate classification (germline): Uncertain significance (1 of 4 stars; one submission).

Conditions:
Bloom syndrome (BLM). Also called: Bloom-Torre-Machacek syndrome. Identifiers: Orphanet 125, MedGen C0005859, MONDO:0008876, OMIM 210900.

Submission:

Labcorp Genetics (formerly Invitae), Labcorp
Classification: Uncertain significance for Bloom syndrome. Last evaluated: 2024-11-15. Review status: criteria provided, single submitter. Criteria: Invitae Variant Classification Sherloc (09022015). Collection method: clinical testing. Allele origin: germline.
Comment: This sequence change falls in intron 7 of the BLM gene. It does not directly change the encoded amino acid sequence of the BLM protein. It affects a nucleotide within the consensus splice site. This variant is not present in population databases (gnomAD no frequency). This variant has not been reported in the literature in individuals affected with BLM-related conditions. Variants that disrupt the consensus splice site are a relatively common cause of aberrant splicing (PMID: 17576681, 9536098). Studies have shown that this variant is associated with inconclusive levels of altered splicing (internal data). In summary, the available evidence is currently insufficient to determine the role of this variant in disease. Therefore, it has been classified as a Variant of Uncertain Significance.

Literature cited by the submitters: PubMed 17576681; PubMed 9536098.